The following is an entry in ClinVar:

ClinVar aggregate classification (germline): Uncertain significance (1 of 4 stars; one submission).

Conditions:
Hereditary cancer-predisposing syndrome. Also called: Neoplastic Syndromes, Hereditary; Hereditary Cancer Syndrome; Tumor predisposition; Hereditary neoplastic syndrome. Identifiers: Orphanet 140162, MedGen C0027672, MeSH D009386, MONDO:0015356.

Submission:

Ambry Genetics
Classification: Uncertain significance for Hereditary cancer-predisposing syndrome. Last evaluated: 2025-01-17. Review status: criteria provided, single submitter. Criteria: Ambry Variant Classification Scheme 2023. Collection method: clinical testing. Allele origin: germline.
Comment: The p.S946N variant (also known as c.2837G>A), located in coding exon 24 of the TSC2 gene, results from a G to A substitution at nucleotide position 2837. The serine at codon 946 is replaced by asparagine, an amino acid with highly similar properties. However, this change occurs in the last base pair of coding exon 24 and may have some effect on normal mRNA splicing. This nucleotide position is highly conserved in available vertebrate species. In silico splice site analysis for this alteration is inconclusive. This amino acid position is highly conserved in available vertebrate species. In addition, as a missense substitution this is predicted to be inconclusive by in silico analysis. Based on the available evidence, the clinical significance of this variant remains unclear.

NM_000548.5(TSC2):c.2837G>A (p.Ser946Asn)

Gene: TSC2 (TSC complex subunit 2; plus strand). Cytogenetic location: 16p13.3.
Variant type: single nucleotide variant.
Coding change: c.2837G>A on transcript NM_000548.5 (MANE Select); coding-DNA position 2837, G replaced by A.
Protein change: p.Ser946Asn; replaces serine 946 with asparagine.
Molecular consequence: missense variant. On other transcripts: non-coding transcript variant (5).
Genome position (GRCh38, 1-based): chr16:2,076,585, G>A. VCF-style: chr16-2076585-G-A. GRCh37 (hg19) VCF-style: chr16-2126586-G-A.
Other names: c.2837G>A, p.Arg946Lys (NM_001077183.3, NM_001370404.1, NM_001406665.1); c.2837G>A, p.Ser946Asn (NM_001114382.3, NM_001363528.2, NM_001370405.1 and 3 more transcripts); c.2726G>A, p.Ser909Asn (NM_001318827.2, NM_001406670.1); c.2690G>A, p.Ser897Asn (NM_001318829.2, NM_001406675.1, NM_001406676.1); c.2237G>A, p.Arg746Lys (NM_001318831.2, NM_001406687.1, NM_001406688.1); c.2870G>A, p.Arg957Lys (NM_001318832.2); c.2927G>A, p.Ser976Asn (NM_001406667.1); c.2927G>A, p.Arg976Lys (NM_001406668.1); and 10 more; short protein forms S792N, S942N, S976N, R746K, R897K, R946K, S498N, S909N.
Identifiers: ClinVar variation 3811330 (VCV003811330.1).